The following is an entry in ClinVar:

ClinVar aggregate classification (germline): Uncertain significance. Review status: criteria provided, single submitter (1 of 4 stars). 2 submissions from 2 submitters: Uncertain significance (1). 1 of the submissions does not count toward it. Last evaluated 2021-07-01.

Conditions:
KCNC1-related disorder. Also called: KCNC1-related condition; KCNC1-Related Disorders. Identifiers: MedGen CN381541.
Progressive myoclonic epilepsy type 7. Identifiers: Orphanet 435438, MedGen C4015420, MONDO:0014521, OMIM 616187.

Allele frequency attached by ClinVar (database versions not stated): gnomAD exomes below 0.00001.
gnomAD v4.1: 1 of 1,614,196 alleles (0.000062%); highest among the groups gnomAD compares: Middle Eastern, 0.016%; no homozygotes.

Submissions (2):

Labcorp Genetics (formerly Invitae), Labcorp
Classification: Uncertain significance for Progressive myoclonic epilepsy type 7. Last evaluated: 2021-07-01. Review status: criteria provided, single submitter. Criteria: Invitae Variant Classification Sherloc (09022015). Collection method: clinical testing. Allele origin: germline.
Comment: This variant is not present in population databases (ExAC no frequency). This variant has not been reported in the literature in individuals with KCNC1-related conditions. Advanced modeling of protein sequence and biophysical properties (such as structural, functional, and spatial information, amino acid conservation, physicochemical variation, residue mobility, and thermodynamic stability) performed at Invitae indicates that this missense variant is expected to disrupt KCNC1 protein function. In summary, the available evidence is currently insufficient to determine the role of this variant in disease. Therefore, it has been classified as a Variant of Uncertain Significance. This sequence change replaces lysine with asparagine at codon 473 of the KCNC1 protein (p.Lys473Asn). The lysine residue is highly conserved and there is a moderate physicochemical difference between lysine and asparagine.

PreventionGenetics, part of Exact Sciences
Classification: Uncertain significance for KCNC1-related condition. Last evaluated: 2024-03-14. Review status: no assertion criteria provided. Collection method: clinical testing. Allele origin: germline. Not counted in ClinVar's aggregate classification.
Comment: The KCNC1 c.1419A>T variant is predicted to result in the amino acid substitution p.Lys473Asn. To our knowledge, this variant has not been reported in the literature or in a large population database, indicating this variant is rare. At this time, the clinical significance of this variant is uncertain due to the absence of conclusive functional and genetic evidence.

NM_001112741.2(KCNC1):c.1419A>T (p.Lys473Asn)

Gene: KCNC1 (potassium voltage-gated channel subfamily C member 1; plus strand). Cytogenetic location: 11p15.1.
Variant type: single nucleotide variant.
Coding change: c.1419A>T on transcript NM_001112741.2 (MANE Select); coding-DNA position 1419, A replaced by T.
Protein change: p.Lys473Asn; replaces lysine 473 with asparagine.
Molecular consequence: missense variant.
Genome position (GRCh38, 1-based): chr11:17,772,513, A>T. VCF-style: chr11-17772513-A-T. GRCh37 (hg19) VCF-style: chr11-17794060-A-T.
Other names: c.1419A>T, p.Lys473Asn (NM_004976.4); c.1419A>T (NM_001112741.1); short protein forms K473N.
Identifiers: ClinVar variation 1347042 (VCV001347042.9), dbSNP rs2133805555, ClinGen allele CA379810119.